The following is an entry in ClinVar:

ClinVar aggregate classification (germline): Pathogenic (1 of 4 stars; one submission).

Conditions:
Paediatric disorders.

Submission:

North West Genomic Laboratory Hub, Manchester University NHS Foundation Trust
Classification: Pathogenic for Paediatric disorders. Last evaluated: 2025-07-25. Review status: criteria provided, single submitter. Criteria: ACGS Best Practice Guidelines for Variant Classification in Rare Disease 2024. Collection method: clinical testing. Allele origin: germline. Affected: yes.
Comment: PM2_Mod PVS1_VStr

NM_001079872.2(CUL4B):c.1218del (p.Ala407fs)

Gene: CUL4B (cullin 4B; minus strand). Cytogenetic location: Xq24.
Variant type: Deletion.
Coding change: c.1218del on transcript NM_001079872.2 (MANE Select); coding-DNA position 1218, one base deleted (A; older notation c.1218delA).
Protein change: p.Ala407fs; shifts the reading frame from alanine 407.
Molecular consequence: frameshift variant.
Genome position (GRCh38, 1-based): chrX:120,543,765, T deleted on the plus strand (A on the coding strand, the reverse complement: CUL4B is on the minus strand); the first of 2 consecutive T bases (chrX:120,543,765-120,543,766); deleting either gives the same sequence. VCF-style (leftmost placement, unchanged base first): chrX-120543764-CT-C. GRCh37 (hg19) VCF-style: chrX-119677619-CT-C.
Other names: c.1233del, p.Ala412fs (NM_001330624.2); c.684del, p.Ala229fs (NM_001369145.1); c.1272del, p.Ala425fs (NM_003588.4); short protein forms A229fs, A407fs, A412fs, A425fs.
Identifiers: ClinVar variation 5021103 (VCV005021103.1).